The following is an entry in ClinVar:

NM_004612.4(TGFBR1):c.1285T>C (p.Tyr429His)

Gene: TGFBR1 (transforming growth factor beta receptor 1; plus strand). Cytogenetic location: 9q22.33.
Variant type: single nucleotide variant.
Coding change: c.1285T>C on transcript NM_004612.4 (MANE Select); coding-DNA position 1285, T replaced by C.
Protein change: p.Tyr429His; replaces tyrosine 429 with histidine.
Molecular consequence: missense variant.
Genome position (GRCh38, 1-based): chr9:99,147,683, T>C. VCF-style: chr9-99147683-T-C. GRCh37 (hg19) VCF-style: chr9-101909965-T-C.
Other names: c.1054T>C, p.Tyr352His (NM_001130916.3); c.1297T>C, p.Tyr433His (NM_001306210.2); c.1285T>C (NM_004612.3); short protein forms Y429H, Y352H, Y433H.
Identifiers: ClinVar variation 624363 (VCV000624363.72), dbSNP rs201745016, ClinGen allele CA040387.

ClinVar aggregate classification (germline): Conflicting classifications of pathogenicity. Review status: criteria provided, conflicting classifications (1 of 4 stars). 10 submissions from 10 submitters: Uncertain significance (9); Likely benign (1). Last evaluated 2025-12-24.

Conditions:
Multiple self-healing squamous epithelioma (MSSE). Also called: MULTIPLE SELF-HEALING SQUAMOUS EPITHELIOMA, SUSCEPTIBILITY TO. Identifiers: Orphanet 65748, MedGen C0546476, MONDO:0007566, OMIM 132800.
Loeys-Dietz syndrome 1 (LDS1). Also called: TGFBR1-Related Loeys-Dietz Syndrome; AORTIC ANEURYSM, FAMILIAL THORACIC 5; FURLONG SYNDROME. Identifiers: Orphanet 60030, MedGen C4551955, MONDO:0012212, OMIM 609192.
Familial thoracic aortic aneurysm and aortic dissection (TAAD). Also called: Thoracic aortic aneurysms and dissections. Identifiers: Orphanet 91387, MedGen C4707243, MONDO:0019625.
Loeys-Dietz syndrome (LDS). Identifiers: Orphanet 60030, MedGen C2697932, MONDO:0018954.
TGFBR1-related disorder. Also called: TGFBR1-related condition.

Allele frequency attached by ClinVar (database versions not stated): ExAC 0.00002; gnomAD exomes 0.00002 and 0.00003; TOPMed 0.00004; gnomAD 0.00007.
gnomAD v4.1: 60 of 1,613,572 alleles (0.0037%); highest among the groups gnomAD compares: Non-Finnish European, 0.0044%; no homozygotes.

Submissions (10):

Labcorp Genetics (formerly Invitae), Labcorp
Classification: Uncertain significance for Familial thoracic aortic aneurysm and aortic dissection. Last evaluated: 2025-12-24. Review status: criteria provided, single submitter. Criteria: Invitae Variant Classification Sherloc (09022015). Collection method: clinical testing. Allele origin: germline.
Comment: This sequence change replaces tyrosine, which is neutral and polar, with histidine, which is basic and polar, at codon 429 of the TGFBR1 protein (p.Tyr429His). This variant is present in population databases (rs201745016, gnomAD 0.008%). This missense change has been observed in individual(s) with clinical features of nonsyndromic thoracic aortic aneurysms and aortic dissections (TAAD) and/or fibromuscular dysplasia (PMID: 23064905, 36103205; internal data). ClinVar contains an entry for this variant (Variation ID: 624363). Invitae Evidence Modeling of protein sequence and biophysical properties (such as structural, functional, and spatial information, amino acid conservation, physicochemical variation, residue mobility, and thermodynamic stability) indicates that this missense variant is not expected to disrupt TGFBR1 protein function with a negative predictive value of 80%. In summary, the available evidence is currently insufficient to determine the role of this variant in disease. Therefore, it has been classified as a Variant of Uncertain Significance.

Ambry Genetics
Classification: Uncertain significance for Familial thoracic aortic aneurysm and aortic dissection. Last evaluated: 2025-08-27. Review status: criteria provided, single submitter. Criteria: Ambry Variant Classification Scheme 2023. Collection method: clinical testing. Allele origin: germline.

PreventionGenetics, part of Exact Sciences
Classification: Uncertain significance for TGFBR1-related condition. Last evaluated: 2025-06-19. Review status: criteria provided, single submitter. Criteria: ACMG Guidelines, 2015. Collection method: clinical testing. Allele origin: germline.
Comment: The TGFBR1 c.1285T>C variant is predicted to result in the amino acid substitution p.Tyr429His. This variant has been reported in an individual with medial fibroplasia and a history of multi-vessel dissection involving the internal carotid and vertebral arteries and ectasia or aneurysm of the ascending aorta (Poloskey et al. 2012. PubMed ID: 23064905). This variant is reported in 0.0080% of alleles in individuals of African descent in gnomAD. At this time, the clinical significance of this variant is uncertain due to the absence of conclusive functional and genetic evidence.

GeneDx
Classification: Uncertain significance. Last evaluated: 2025-03-11. Review status: criteria provided, single submitter. Criteria: GeneDx Variant Classification Process June 2021. Collection method: clinical testing. Allele origin: germline. Affected: yes.
Comment: Reported in one individual diagnosed with medial fibroplasia who had a history of multi-vessel dissection involving the internal carotid and vertebral arteries, ascending aortic aneurysm, marked tortuosity of the descending aorta, no gross craniofacial abnormalities, and a unifid uvula with normal appearing palate (PMID: 23064905); In silico analysis supports that this missense variant has a deleterious effect on protein structure/function; This variant is associated with the following publications: (PMID: 33739371, 34110898, 23064905)

Women's Health and Genetics/Laboratory Corporation of America, LabCorp
Classification: Uncertain significance. Last evaluated: 2024-12-02. Review status: criteria provided, single submitter. Criteria: LabCorp Variant Classification Summary - May 2015. Collection method: clinical testing. Allele origin: germline.
Comment: Variant summary: TGFBR1 c.1285T>C (p.Tyr429His) results in a conservative amino acid change located in the protein kinase domain (IPR000719) of the encoded protein sequence. Four of five in-silico tools predict a benign effect of the variant on protein function. The variant allele was found at a frequency of 2.4e-05 in 250818 control chromosomes (gnomAD). The available data on variant occurrences in the general population are insufficient to allow any conclusion about variant significance. c.1285T>C has been reported in the literature in at least an individual affected with TGFBR1-related conditions (example: Poloskey_2012). The do not provide unequivocal conclusions about association of the variant with Loeys-Dietz Syndrome. To our knowledge, no experimental evidence demonstrating an impact on protein function has been reported. The following publication has been ascertained in the context of this evaluation (PMID: 23064905). ClinVar contains an entry for this variant (Variation ID: 624363). Based on the evidence outlined above, the variant was classified as uncertain significance.

CeGaT Center for Human Genetics Tuebingen
Classification: Uncertain significance. Last evaluated: 2024-12-01. Review status: criteria provided, single submitter. Criteria: CeGaT Center For Human Genetics Tuebingen Variant Classification Criteria Version 2. Collection method: clinical testing. Allele origin: germline. Affected: yes. Observed: 6 variant alleles.

Blueprint Genetics
Classification: Likely benign. Last evaluated: 2024-11-13. Review status: criteria provided, single submitter. Criteria: ACMG Guidelines, 2015. Collection method: clinical testing. Allele origin: germline.

All of Us Research Program, National Institutes of Health
Classification: Uncertain significance for Loeys-Dietz syndrome. Last evaluated: 2024-05-14. Review status: criteria provided, single submitter. Criteria: ACMG Guidelines, 2015. Collection method: clinical testing. Allele origin: germline. Inheritance: Autosomal dominant inheritance. Observed: 17 variant alleles, 17 heterozygotes.
Comment: This missense variant replaces tyrosine with histidine at codon 429 of the TGFBR1 protein. Computational prediction suggests that this variant may not impact protein structure and function (internally defined REVEL score threshold <= 0.5, PMID: 27666373). To our knowledge, functional studies have not been reported for this variant. This variant has not been reported in individuals affected with TGFBR1-related disorders in the literature. This variant has been identified in 7/282220 chromosomes in the general population by the Genome Aggregation Database (gnomAD). The available evidence is insufficient to determine the role of this variant in disease conclusively. Therefore, this variant is classified as a Variant of Uncertain Significance.

This study involves interpretation of variants in research participants for the purpose of population health screening. Participant phenotype was not available at the time of variant classification. Additional details can be found in publication PMID: 35346344, PMCID: PMC8962531

Color Diagnostics, LLC DBA Color Health
Classification: Uncertain significance for Familial thoracic aortic aneurysm and aortic dissection. Last evaluated: 2024-04-21. Review status: criteria provided, single submitter. Criteria: ACMG Guidelines, 2015. Collection method: clinical testing. Allele origin: germline.
Comment: This missense variant replaces tyrosine with histidine at codon 429 of the TGFBR1 protein. Computational prediction tools indicate that this variant has a neutral impact on protein structure and function. To our knowledge, functional studies have not been reported for this variant. This variant has been reported one individual affected with spontaneous coronary artery dissection (PMID: 36103205). This variant has been identified in 7/282220 chromosomes in the general population by the Genome Aggregation Database (gnomAD). The available evidence is insufficient to determine the role of this variant in disease conclusively. Therefore, this variant is classified as a Variant of Uncertain Significance.

Victorian Clinical Genetics Services, Murdoch Childrens Research Institute
Classification: Uncertain significance for Loeys-Dietz syndrome 1. Last evaluated: 2022-03-31. Review status: criteria provided, single submitter. Criteria: ACMG Guidelines, 2015. Collection method: clinical testing. Allele origin: germline. Inheritance: Autosomal dominant inheritance. Affected: yes.
Comment: Based on the classification scheme VCGS_Germline_v1.3.4, this variant is classified as VUS-3B. Following criteria are met: 0102 - Loss of function is a known mechanism of disease in this gene. In addition, missense variants have been postulated to exert a dominant negative effect. Both mechanisms are reported in association with Loeys-Dietz syndrome (MIM#609192) (PMID: 30701076). (I) 0107 - This gene is associated with autosomal dominant disease. (I) 0115 - Variants in this gene are known to have variable expressivity. There is considerable variability in the phenotype, from mild features to severe systemic abnormalities and also an overlap in the manifestations with Marfan syndrome, including increased risk of ascending aortic aneurysm and aortic dissection, abnormally long limbs and fingers (PMID: 32339686). (I) 0200 - Variant is predicted to result in a missense amino acid change from tyrosine to histidine. (I) 0251 - This variant is heterozygous. (I) 0302 - Variant is present in gnomAD (v2 & v3) <0.001 for a dominant condition (15 heterozygotes, 0 homozygotes). (SP) 0502 - Missense variant with conflicting in silico predictions and uninformative conservation. (I) 0600 - Variant is located in the annotated protein kinase domain (DECIPHER). (I) 0710 - Another missense variant comparable to the one identified in this case has inconclusive previous evidence for pathogenicity. p.(Tyr429Cys) was identified in a prospective Japanese cohort (PMID: 29192238). (I) 0809 - Previous evidence of pathogenicity for this variant is inconclusive. It has been reported in an individual with medial fibroplasia who had a history of multi-vessel dissection involving the internal carotid and vertebral arteries and aneurysm of the ascending aorta; the variant was regarded as VUS (PMID: 23064905). (I) 0905 - No published segregation evidence has been identified for this variant. (I) 1007 - No published functional evidence has been identified for this variant. (I) 1208 - Inheritance information for this variant is not currently available in this individual. (I) Legend: (SP) - Supporting pathogenic, (I) - Information, (SB) - Supporting benign

Literature cited by the submitters: PubMed 23064905 (cited by 3 submitters); PubMed 36103205 (cited by Labcorp Genetics (formerly Invitae), Labcorp and Color Diagnostics, LLC DBA Color Health); PubMed 29192238 (cited by Victorian Clinical Genetics Services, Murdoch Childrens Research Institute); PubMed 30701076 (cited by Victorian Clinical Genetics Services, Murdoch Childrens Research Institute); PubMed 32339686 (cited by Victorian Clinical Genetics Services, Murdoch Childrens Research Institute).